The following is an entry in ClinVar:

ClinVar aggregate classification (germline): Uncertain significance (1 of 4 stars; one submission).

Conditions:
Gastrointestinal stromal tumor. Also called: Gastrointestinal stroma tumor; Gastrointestinal stromal tumor, somatic. Identifiers: Orphanet 44890, MedGen C0238198, MeSH D046152, MONDO:0011719, OMIM 606764, HP:0100723.

Submission:

Labcorp Genetics (formerly Invitae), Labcorp
Classification: Uncertain significance for Gastrointestinal stromal tumor. Last evaluated: 2022-07-08. Review status: criteria provided, single submitter. Criteria: Invitae Variant Classification Sherloc (09022015). Collection method: clinical testing. Allele origin: germline.
Comment: In summary, the available evidence is currently insufficient to determine the role of this variant in disease. Therefore, it has been classified as a Variant of Uncertain Significance. Algorithms developed to predict the effect of missense changes on protein structure and function (SIFT, PolyPhen-2, Align-GVGD) all suggest that this variant is likely to be disruptive. This variant has not been reported in the literature in individuals affected with KIT-related conditions. This variant is not present in population databases (gnomAD no frequency). This sequence change replaces leucine, which is neutral and non-polar, with valine, which is neutral and non-polar, at codon 625 of the KIT protein (p.Leu625Val).

NM_000222.3(KIT):c.1873C>G (p.Leu625Val)

Gene: KIT (KIT proto-oncogene, receptor tyrosine kinase; plus strand). Cytogenetic location: 4q12.
Variant type: single nucleotide variant.
Coding change: c.1873C>G on transcript NM_000222.3 (MANE Select); coding-DNA position 1873, C replaced by G.
Protein change: p.Leu625Val; replaces leucine 625 with valine.
Molecular consequence: missense variant.
Genome position (GRCh38, 1-based): chr4:54,727,921, C>G. VCF-style: chr4-54727921-C-G. GRCh37 (hg19) VCF-style: chr4-55594087-C-G.
Other names: c.1861C>G, p.Leu621Val (NM_001093772.2, NM_001385286.1); c.1876C>G, p.Leu626Val (NM_001385284.1, NM_001385290.1); c.1873C>G, p.Leu625Val (NM_001385285.1); c.1864C>G, p.Leu622Val (NM_001385288.1, NM_001385292.1); short protein forms L626V, L621V, L622V, L625V.
Identifiers: ClinVar variation 2014936 (VCV002014936.4), dbSNP rs2109780295, ClinGen allele CA356908267.